The following is an entry in ClinVar:

ClinVar aggregate classification (germline): Uncertain significance. Review status: criteria provided, multiple submitters, no conflicts (2 of 4 stars). 2 submissions from 2 submitters: Uncertain significance (2). Last evaluated 2025-06-12.

Conditions:
Inborn genetic diseases. Identifiers: MedGen C0950123, MeSH D030342.

Allele frequency attached by ClinVar (database versions not stated): gnomAD exomes 0.00002; TOPMed 0.00003; ExAC 0.00004; gnomAD 0.00006; 1000 Genomes Project 0.00020; 1000 Genomes Project 30x 0.00031.
gnomAD v4.1: 39 of 1,613,530 alleles (0.0024%); highest among the groups gnomAD compares: Middle Eastern, 0.016%; no homozygotes.

Submissions (2):

Ambry Genetics
Classification: Uncertain significance for Inborn genetic diseases. Last evaluated: 2025-06-12. Review status: criteria provided, single submitter. Criteria: Ambry Variant Classification Scheme 2023. Collection method: clinical testing. Allele origin: germline.

Labcorp Genetics (formerly Invitae), Labcorp
Classification: Uncertain significance. Last evaluated: 2022-09-01. Review status: criteria provided, single submitter. Criteria: Invitae Variant Classification Sherloc (09022015). Collection method: clinical testing. Allele origin: germline.
Comment: This sequence change replaces aspartic acid, which is acidic and polar, with asparagine, which is neutral and polar, at codon 344 of the ARHGEF18 protein (p.Asp344Asn). This variant is present in population databases (rs571738935, gnomAD 0.1%). This variant has not been reported in the literature in individuals affected with ARHGEF18-related conditions. Algorithms developed to predict the effect of missense changes on protein structure and function are either unavailable or do not agree on the potential impact of this missense change (SIFT: "Deleterious"; PolyPhen-2: "Probably Damaging"; Align-GVGD: "Class C15"). In summary, the available evidence is currently insufficient to determine the role of this variant in disease. Therefore, it has been classified as a Variant of Uncertain Significance.

NM_001367823.1(ARHGEF18):c.1594G>A (p.Asp532Asn)

Gene: ARHGEF18 (Rho/Rac guanine nucleotide exchange factor 18; plus strand). Cytogenetic location: 19p13.2.
Variant type: single nucleotide variant.
Coding change: c.1594G>A on transcript NM_001367823.1 (MANE Select); coding-DNA position 1594, G replaced by A.
Protein change: p.Asp532Asn; replaces aspartic acid 532 with asparagine.
Molecular consequence: missense variant.
Genome position (GRCh38, 1-based): chr19:7,444,437, G>A. VCF-style: chr19-7444437-G-A. GRCh37 (hg19) VCF-style: chr19-7509323-G-A.
Other names: c.868G>A, p.Asp290Asn (NM_001130955.2); c.556G>A, p.Asp186Asn (NM_001367824.1, NM_015318.4); c.1030G>A (NM_001130955.1); short protein forms D290N, D186N, D532N.
Identifiers: ClinVar variation 1980079 (VCV001980079.2), dbSNP rs571738935, ClinGen allele CA9136507.